The following is an entry in ClinVar:

ClinVar aggregate classification (germline): Uncertain significance (1 of 4 stars; one submission).

Conditions:
Familial cancer of breast. Also called: hereditary breast carcinoma; Hereditary breast cancer; BREAST CANCER, FAMILIAL. Identifiers: Orphanet 227535, MedGen C0346153, MONDO:0016419, OMIM 114480. Disease mechanism: loss of function.

Submission:

Labcorp Genetics (formerly Invitae), Labcorp
Classification: Uncertain significance for Familial cancer of breast. Last evaluated: 2022-01-12. Review status: criteria provided, single submitter. Criteria: Invitae Variant Classification Sherloc (09022015). Collection method: clinical testing. Allele origin: germline.
Comment: In summary, the available evidence is currently insufficient to determine the role of this variant in disease. Therefore, it has been classified as a Variant of Uncertain Significance. Algorithms developed to predict the effect of missense changes on protein structure and function (SIFT, PolyPhen-2, Align-GVGD) all suggest that this variant is likely to be tolerated. ClinVar contains an entry for this variant (Variation ID: 1041753). This variant has not been reported in the literature in individuals affected with PALB2-related conditions. This variant is not present in population databases (gnomAD no frequency). This sequence change replaces arginine, which is basic and polar, with threonine, which is neutral and polar, at codon 594 of the PALB2 protein (p.Arg594Thr).

NM_024675.4(PALB2):c.1781G>C (p.Arg594Thr)

Gene: PALB2 (partner and localizer of BRCA2; minus strand). Cytogenetic location: 16p12.2.
Variant type: single nucleotide variant.
Coding change: c.1781G>C on transcript NM_024675.4 (MANE Select); coding-DNA position 1781, G replaced by C.
Protein change: p.Arg594Thr; replaces arginine 594 with threonine.
Molecular consequence: missense variant.
Genome position (GRCh38, 1-based): chr16:23,630,373, C>G on the plus strand (G>C on the coding strand, the complement: PALB2 is on the minus strand). VCF-style: chr16-23630373-C-G. GRCh37 (hg19) VCF-style: chr16-23641694-C-G.
Other names: short protein forms R594T.
Identifiers: ClinVar variation 1041753 (VCV001041753.9), dbSNP rs1597091217, ClinGen allele CA395128143.